The following is an entry in ClinVar:

NM_001184.4(ATR):c.5656C>T (p.Arg1886Ter)

Gene: ATR (ATR checkpoint kinase; minus strand). Cytogenetic location: 3q23.
Variant type: single nucleotide variant.
Coding change: c.5656C>T on transcript NM_001184.4 (MANE Select); coding-DNA position 5656, C replaced by T.
Protein change: p.Arg1886Ter; replaces arginine 1886 with a stop codon.
Molecular consequence: nonsense.
Genome position (GRCh38, 1-based): chr3:142,497,095, G>A on the plus strand (C>T on the coding strand, the complement: ATR is on the minus strand). VCF-style: chr3-142497095-G-A. GRCh37 (hg19) VCF-style: chr3-142215937-G-A.
Other names: c.5464C>T, p.Arg1822Ter (NM_001354579.2); short protein forms R1822*, R1886*.
Identifiers: ClinVar variation 1376891 (VCV001376891.6), dbSNP rs141429029, ClinGen allele CA2649571.

ClinVar aggregate classification (germline): Pathogenic (1 of 4 stars; one submission).

Allele frequency attached by ClinVar (database versions not stated): gnomAD exomes 0.00001; ExAC 0.00002; ESP Exome Variant Server 0.00008.
gnomAD v4.1: 3 of 1,613,990 alleles (0.00019%); highest among the groups gnomAD compares: South Asian, 0.0011%; no homozygotes.

Submission:

Labcorp Genetics (formerly Invitae), Labcorp
Classification: Pathogenic. Last evaluated: 2024-12-02. Review status: criteria provided, single submitter. Criteria: Invitae Variant Classification Sherloc (09022015). Collection method: clinical testing. Allele origin: germline.
Comment: This sequence change creates a premature translational stop signal (p.Arg1886*) in the ATR gene. It is expected to result in an absent or disrupted protein product. Loss-of-function variants in ATR are known to be pathogenic (PMID: 21228398, 23144622). This variant is present in population databases (rs141429029, gnomAD 0.003%). This variant has not been reported in the literature in individuals affected with ATR-related conditions. ClinVar contains an entry for this variant (Variation ID: 1376891). Algorithms developed to predict the effect of sequence changes on RNA splicing suggest that this variant may disrupt the consensus splice site. For these reasons, this variant has been classified as Pathogenic.

Literature cited by the submitters: PubMed 21228398; PubMed 23144622.